The following is an entry in ClinVar:

NM_005199.5(CHRNG):c.56-1G>A

Gene: CHRNG (cholinergic receptor nicotinic gamma subunit; plus strand). Cytogenetic location: 2q37.1.
Variant type: single nucleotide variant.
Coding change: c.56-1G>A on transcript NM_005199.5 (MANE Select); the canonical splice acceptor site of the intron before coding-DNA position 56, G replaced by A.
Molecular consequence: splice acceptor variant.
Genome position (GRCh38, 1-based): chr2:232,539,991, G>A. VCF-style: chr2-232539991-G-A. GRCh37 (hg19) VCF-style: chr2-233404701-G-A.
Identifiers: ClinVar variation 1322085 (VCV001322085.8), dbSNP rs1265493319, ClinGen allele CA351006821.
Genomic context (GRCh38, chr2:232,539,991, plus strand): 5'-CAGGGCCTCCCCGCTCTTTCCACCTCCAAGCTCCTGCTAGGCTCACGCCTGTCTATTGCA[G>A]GGGCCCAGGGCCGGAACCAGGAGGAGCGCCTGCTCGCAGACCTGATGCAAAACTACGACC-3'

ClinVar aggregate classification (germline): Pathogenic. Review status: criteria provided, multiple submitters, no conflicts (2 of 4 stars). 3 submissions from 3 submitters: Pathogenic (3). Last evaluated 2024-02-10.

Conditions:
Autosomal recessive multiple pterygium syndrome. Also called: MULTIPLE PTERYGIUM SYNDROME, ESCOBAR VARIANT; PTERYGIUM COLLI SYNDROME; PTERYGIUM SYNDROME; PTERYGIUM UNIVERSALE. Identifiers: Orphanet 2990, MedGen C0265261, MONDO:0009926, OMIM 265000.
Lethal multiple pterygium syndrome (LMPS). Identifiers: Orphanet 33108, MedGen C1854678, MONDO:0009668, OMIM 253290.

Allele frequency attached by ClinVar (database versions not stated): gnomAD exomes below 0.00001 and 0.00002; gnomAD 0.00003; TOPMed 0.00003.
gnomAD v4.1: 36 of 1,614,026 alleles (0.0022%); highest among the groups gnomAD compares: Non-Finnish European, 0.0027%; no homozygotes.

Submissions (3):

Labcorp Genetics (formerly Invitae), Labcorp
Classification: Pathogenic. Last evaluated: 2024-02-10. Review status: criteria provided, single submitter. Criteria: Invitae Variant Classification Sherloc (09022015). Collection method: clinical testing. Allele origin: germline.
Comment: This sequence change affects an acceptor splice site in intron 1 of the CHRNG gene. It is expected to disrupt RNA splicing. Variants that disrupt the donor or acceptor splice site typically lead to a loss of protein function (PMID: 16199547), and loss-of-function variants in CHRNG are known to be pathogenic (PMID: 16826520). This variant is present in population databases (no rsID available, gnomAD 0.0009%). Disruption of this splice site has been observed in individuals with multiple pterygium syndrome (PMID: 22167768, 33060286). ClinVar contains an entry for this variant (Variation ID: 1322085). Algorithms developed to predict the effect of sequence changes on RNA splicing suggest that this variant may disrupt the consensus splice site. For these reasons, this variant has been classified as Pathogenic.

Fulgent Genetics
Classification: Pathogenic for Lethal multiple pterygium syndrome; Autosomal recessive multiple pterygium syndrome. Last evaluated: 2023-12-28. Review status: criteria provided, single submitter. Criteria: ACMG Guidelines, 2015. Collection method: clinical testing. Allele origin: germline.

Revvity Omics, Revvity
Classification: Pathogenic. Last evaluated: 2019-07-12. Review status: criteria provided, single submitter. Criteria: ACMG Guidelines, 2015. Collection method: clinical testing. Allele origin: germline.

Literature cited by the submitters: PubMed 16199547 (cited by Labcorp Genetics (formerly Invitae), Labcorp); PubMed 16826520 (cited by Labcorp Genetics (formerly Invitae), Labcorp); PubMed 22167768 (cited by Labcorp Genetics (formerly Invitae), Labcorp); PubMed 33060286 (cited by Labcorp Genetics (formerly Invitae), Labcorp).